The following is an entry in ClinVar:

ClinVar aggregate classification (germline): Conflicting classifications of pathogenicity. Review status: criteria provided, conflicting classifications (1 of 4 stars). 3 submissions from 3 submitters: Uncertain significance (2); Likely benign (1). Last evaluated 2024-08-19.

Conditions:
Hereditary cancer-predisposing syndrome. Also called: Hereditary Cancer Syndrome; Neoplastic Syndromes, Hereditary; Hereditary neoplastic syndrome; Tumor predisposition. Identifiers: Orphanet 140162, MedGen C0027672, MeSH D009386, MONDO:0015356.
Hereditary breast ovarian cancer syndrome. Also called: BRCA1- and BRCA2-Associated Hereditary Breast and Ovarian Cancer; Hereditary breast and ovarian cancer syndrome; Hereditary breast and/or ovarian cancer syndrome; Breast and ovarian cancer; Hereditary breast and ovarian cancer; Hereditary breast and ovarian cancer syndrome (HBOC). Identifiers: Orphanet 145, MedGen C0677776, MeSH D061325, MONDO:0003582. Disease mechanism: loss of function.

Allele frequency attached by ClinVar (database versions not stated): gnomAD exomes below 0.00001.
gnomAD v4.1: 4 of 1,614,048 alleles (0.00025%); highest among the groups gnomAD compares: Non-Finnish European, 0.00034%; no homozygotes.

Submissions (3):

Labcorp Genetics (formerly Invitae), Labcorp
Classification: Uncertain significance for Hereditary breast ovarian cancer syndrome. Last evaluated: 2024-08-19. Review status: criteria provided, single submitter. Criteria: Invitae Variant Classification Sherloc (09022015). Collection method: clinical testing. Allele origin: germline.
Comment: This sequence change replaces histidine, which is basic and polar, with glutamine, which is neutral and polar, at codon 692 of the BRCA1 protein (p.His692Gln). This variant is not present in population databases (gnomAD no frequency). This variant has not been reported in the literature in individuals affected with BRCA1-related conditions. ClinVar contains an entry for this variant (Variation ID: 142622). Invitae Evidence Modeling of protein sequence and biophysical properties (such as structural, functional, and spatial information, amino acid conservation, physicochemical variation, residue mobility, and thermodynamic stability) indicates that this missense variant is not expected to disrupt BRCA1 protein function with a negative predictive value of 95%. In summary, the available evidence is currently insufficient to determine the role of this variant in disease. Therefore, it has been classified as a Variant of Uncertain Significance.

University of Washington Department of Laboratory Medicine, University of Washington
Classification: Likely benign for Hereditary cancer-predisposing syndrome. Last evaluated: 2023-03-23. Review status: criteria provided, single submitter. Criteria: Dines et al. (Genet Med. 2020). Collection method: curation. Allele origin: germline.
Comment: Missense variant in a coldspot region where missense variants are very unlikely to be pathogenic (PMID:31911673).

BRCA1 coldspot (exon 11 using historical exon numbering). Reclassification based on statistical prior probability

Ambry Genetics
Classification: Uncertain significance for Hereditary cancer-predisposing syndrome. Last evaluated: 2017-10-26. Review status: criteria provided, single submitter. Criteria: Ambry Variant Classification Scheme 2023. Collection method: clinical testing. Allele origin: germline.
Comment: The p.H692Q variant (also known as c.2076T>A), located in coding exon 9 of the BRCA1 gene, results from a T to A substitution at nucleotide position 2076. The histidine at codon 692 is replaced by glutamine, an amino acid with highly similar properties. This amino acid position is not well conserved in available vertebrate species. In addition, the in silico prediction for this alteration is inconclusive. Since supporting evidence is limited at this time, the clinical significance of this alteration remains unclear.

NM_007294.4(BRCA1):c.2076T>A (p.His692Gln)

Gene: BRCA1 (BRCA1 DNA repair associated; minus strand). Cytogenetic location: 17q21.31.
Variant type: single nucleotide variant.
Coding change: c.2076T>A on transcript NM_007294.4 (MANE Select); coding-DNA position 2076, T replaced by A.
Protein change: p.His692Gln; replaces histidine 692 with glutamine.
Molecular consequence: missense variant. On other transcripts: intron variant (137).
Genome position (GRCh38, 1-based): chr17:43,093,455, A>T on the plus strand (T>A on the coding strand, the complement: BRCA1 is on the minus strand). VCF-style: chr17-43093455-A-T. GRCh37 (hg19) VCF-style: chr17-41245472-A-T.
Other names: c.1932T>A, p.His644Gln (NM_001407749.1, NM_001407838.1, NM_001407839.1 and 20 more transcripts); c.1935T>A, p.His645Gln (NM_001407750.1, NM_001407751.1, NM_001407752.1 and 29 more transcripts); c.1863T>A, p.His621Gln (NM_001407853.1, NM_001407894.1, NM_001407895.1 and 9 more transcripts); c.2076T>A, p.His692Gln (NM_001407854.1, NM_001407858.1, NM_001407859.1 and 30 more transcripts); c.2073T>A, p.His691Gln (NM_001407860.1, NM_001407861.1, NM_001407587.1 and 22 more transcripts); c.1875T>A, p.His625Gln (NM_001407862.1); c.1953T>A, p.His651Gln (NM_001407863.1, NM_001407919.1, NM_001407937.1 and 19 more transcripts); c.1872T>A, p.His624Gln (NM_001407874.1, NM_001407875.1); and 40 more; short protein forms H692Q, H645Q, H524Q, H603Q, H621Q, H622Q, H644Q, H665Q.
Identifiers: ClinVar variation 142622 (VCV000142622.18), dbSNP rs587782595, ClinGen allele CA001374.
Genomic context (GRCh38, chr17:43,093,455, plus strand): 5'-ACACTTAGTAAAAGAACCAGGTGCATTTGTTAACTTCAGCTCTGGGAAAGTATCGCTGTC[A>T]TGTCTTTTACTTGTCTGTTCATTTGGCTTGTTACTCTTCTTGGCTCCAGTTGCAGGTTCT-3'
Protein context (NP_009225.1, residues 682-702): NKPNEQTSKR[His692Gln]DSDTFPELKL